The following is an entry in ClinVar:

NM_003791.4(MBTPS1):c.1407C>T (p.Leu469=)

Gene: MBTPS1 (membrane bound transcription factor peptidase, site 1; minus strand). Cytogenetic location: 16q23.3.
Variant type: single nucleotide variant.
Coding change: c.1407C>T on transcript NM_003791.4 (MANE Select); coding-DNA position 1407, C replaced by T.
Protein change: p.Leu469=; no amino-acid change (leucine 469 retained).
Molecular consequence: synonymous variant.
Genome position (GRCh38, 1-based): chr16:84,081,788, G>A on the plus strand (C>T on the coding strand, the complement: MBTPS1 is on the minus strand). VCF-style: chr16-84081788-G-A. GRCh37 (hg19) VCF-style: chr16-84115393-G-A.
Other names: p.Leu469=; c.1407C>T (NM_003791.3).
Identifiers: ClinVar variation 1585575 (VCV001585575.12), dbSNP rs12933523, ClinGen allele CA8201337.

ClinVar aggregate classification (germline): Benign. Review status: criteria provided, multiple submitters, no conflicts (2 of 4 stars). 4 submissions from 4 submitters: Benign (3). 1 of the submissions does not count toward it. Last evaluated 2026-02-04.

Conditions:
MBTPS1-related disorder. Also called: MBTPS1-related condition.

Allele frequency attached by ClinVar (database versions not stated): 1000 Genomes Project 0.09405; gnomAD 0.13128 and 0.13393; 1000 Genomes Project 30x 0.09416; TOPMed 0.12858; gnomAD exomes 0.13697 and 0.17230; ExAC 0.13819; ESP Exome Variant Server 0.13838.
gnomAD v4.1: 253,408 of 1,512,812 alleles (17%); highest among the groups gnomAD compares: Non-Finnish European, 19%; 22,727 homozygotes.

Submissions (4):

Labcorp Genetics (formerly Invitae), Labcorp
Classification: Benign. Last evaluated: 2026-02-04. Review status: criteria provided, single submitter. Criteria: Invitae Variant Classification Sherloc (09022015). Collection method: clinical testing. Allele origin: germline.

Mayo Clinic Laboratories, Mayo Clinic
Classification: Benign. Last evaluated: 2021-04-07. Review status: criteria provided, single submitter. Criteria: ACMG Guidelines, 2015. Collection method: clinical testing. Allele origin: germline. Observed: 11 variant alleles.

Breakthrough Genomics
Classification: Benign. Review status: criteria provided, single submitter. Criteria: ACMG Guidelines, 2015. Collection method: not provided. Allele origin: germline. Inheritance: Autosomal recessive inheritance. Affected: yes.

PreventionGenetics, part of Exact Sciences
Classification: Benign for MBTPS1-related condition. Last evaluated: 2019-10-28. Review status: no assertion criteria provided. Collection method: clinical testing. Allele origin: germline. Not counted in ClinVar's aggregate classification.
Comment: This variant is classified as benign based on ACMG/AMP sequence variant interpretation guidelines (Richards et al. 2015 PMID: 25741868, with internal and published modifications).